The following is an entry in ClinVar:

NM_025000.4(DCAF17):c.1212T>G (p.Ser404=)

Gene: DCAF17 (DDB1 and CUL4 associated factor 17; plus strand). Cytogenetic location: 2q31.1.
Variant type: single nucleotide variant.
Coding change: c.1212T>G on transcript NM_025000.4 (MANE Select); coding-DNA position 1212, T replaced by G.
Protein change: p.Ser404=; no amino-acid change (serine 404 retained).
Molecular consequence: synonymous variant. On other transcripts: non-coding transcript variant (1).
Genome position (GRCh38, 1-based): chr2:171,478,016, T>G. VCF-style: chr2-171478016-T-G. GRCh37 (hg19) VCF-style: chr2-172334526-T-G.
Other names: c.1011T>G, p.Ser337= (NM_001164821.2).
Identifiers: ClinVar variation 706910 (VCV000706910.10), dbSNP rs141121608, ClinGen allele CA1964923.

ClinVar aggregate classification (germline): Likely benign. Review status: criteria provided, multiple submitters, no conflicts (2 of 4 stars). 2 submissions from 2 submitters: Likely benign (2). Last evaluated 2025-11-11.

Conditions:
Woodhouse-Sakati syndrome. Also called: Hypogonadism, diabetes mellitus, alopecia, mental retardation and electrocardiographic abnormalities; Hypogonadism, Alopecia, Diabetes Mellitus, Mental Retardation, and Extrapyramidal Syndrome; EXTRAPYRAMIDAL DISORDER, PROGRESSIVE, WITH PRIMARY HYPOGONADISM, MENTAL RETARDATION, AND ALOPECIA. Identifiers: Orphanet 3464, MedGen C0342286, MONDO:0009419, OMIM 241080.
DCAF17-related disorder. Also called: DCAF17-related condition.

Allele frequency attached by ClinVar (database versions not stated): gnomAD 0.00001; gnomAD exomes 0.00003 and 0.00006; TOPMed 0.00004; ExAC 0.00007; 1000 Genomes Project 0.00020; 1000 Genomes Project 30x 0.00031.
gnomAD v4.1: 20 of 1,614,052 alleles (0.0012%); highest among the groups gnomAD compares: Admixed American, 0.033%; no homozygotes.

Submissions (2):

PreventionGenetics, part of Exact Sciences
Classification: Likely benign for DCAF17-related condition. Last evaluated: 2025-11-11. Review status: criteria provided, single submitter. Criteria: ACMG Guidelines, 2015. Collection method: clinical testing. Allele origin: germline.
Comment: This variant is classified as likely benign based on ACMG/AMP sequence variant interpretation guidelines (Richards et al. 2015 PMID: 25741868, with internal and published modifications).

Labcorp Genetics (formerly Invitae), Labcorp
Classification: Likely benign for Woodhouse-Sakati syndrome. Last evaluated: 2025-05-01. Review status: criteria provided, single submitter. Criteria: Invitae Variant Classification Sherloc (09022015). Collection method: clinical testing. Allele origin: germline.